The following is an entry in ClinVar:

NM_178013.4(PRIMA1):c.88G>A (p.Val30Met)

Gene: PRIMA1 (proline rich membrane anchor 1; minus strand). Cytogenetic location: 14q32.12.
Variant type: single nucleotide variant.
Coding change: c.88G>A on transcript NM_178013.4 (MANE Select); coding-DNA position 88, G replaced by A.
Protein change: p.Val30Met; replaces valine 30 with methionine.
Molecular consequence: missense variant.
Genome position (GRCh38, 1-based): chr14:93,787,631, C>T on the plus strand (G>A on the coding strand, the complement: PRIMA1 is on the minus strand). VCF-style: chr14-93787631-C-T. GRCh37 (hg19) VCF-style: chr14-94253977-C-T.
Other names: short protein forms V30M.
Identifiers: ClinVar variation 1475815 (VCV001475815.5), dbSNP rs1885561822, ClinGen allele CA391146904.

ClinVar aggregate classification (germline): Uncertain significance (1 of 4 stars; one submission).

Conditions:
Familial sleep-related hypermotor epilepsy. Also called: Autosomal Dominant Sleep-Related Hypermotor (Hyperkinetic) Epilepsy. Identifiers: Orphanet 98784, MedGen C3696898, MONDO:0000030.

Allele frequency attached by ClinVar (database versions not stated): TOPMed 0.00001.
gnomAD v4.1: 1 of 1,541,564 alleles (0.000065%); highest among the groups gnomAD compares: East Asian, 0.0024%; no homozygotes.

Submission:

Labcorp Genetics (formerly Invitae), Labcorp
Classification: Uncertain significance for Familial sleep-related hypermotor epilepsy. Last evaluated: 2022-02-03. Review status: criteria provided, single submitter. Criteria: Invitae Variant Classification Sherloc (09022015). Collection method: clinical testing. Allele origin: germline.
Comment: This sequence change replaces valine, which is neutral and non-polar, with methionine, which is neutral and non-polar, at codon 30 of the PRIMA1 protein (p.Val30Met). This variant is not present in population databases (gnomAD no frequency). This variant has not been reported in the literature in individuals affected with PRIMA1-related conditions. Algorithms developed to predict the effect of missense changes on protein structure and function are either unavailable or do not agree on the potential impact of this missense change (SIFT: "Deleterious"; PolyPhen-2: "Benign"; Align-GVGD: "Class C0"). In summary, the available evidence is currently insufficient to determine the role of this variant in disease. Therefore, it has been classified as a Variant of Uncertain Significance.